The following is an entry in ClinVar:

NM_001170700.3(DTHD1):c.2449G>A (p.Glu817Lys)

Gene: DTHD1 (death domain containing 1; plus strand). Cytogenetic location: 4p14.
Variant type: single nucleotide variant.
Coding change: c.2449G>A on transcript NM_001170700.3 (MANE Select); coding-DNA position 2449, G replaced by A.
Protein change: p.Glu817Lys; replaces glutamic acid 817 with lysine.
Molecular consequence: missense variant. On other transcripts: synonymous variant (1), non-coding transcript variant (2).
Genome position (GRCh38, 1-based): chr4:36,343,552, G>A. VCF-style: chr4-36343552-G-A. GRCh37 (hg19) VCF-style: chr4-36345174-G-A.
Other names: c.1579G>A, p.Glu527Lys (NM_001136536.5); c.1458G>A, p.Lys486= (NM_001378435.1); short protein forms E817K, E527K.
Identifiers: ClinVar variation 3712405 (VCV003712405.2).

ClinVar aggregate classification (germline): Uncertain significance (1 of 4 stars; one submission).

Submission:

Labcorp Genetics (formerly Invitae), Labcorp
Classification: Uncertain significance. Last evaluated: 2024-03-13. Review status: criteria provided, single submitter. Criteria: Invitae Variant Classification Sherloc (09022015). Collection method: clinical testing. Allele origin: germline.
Comment: This sequence change replaces glutamic acid, which is acidic and polar, with lysine, which is basic and polar, at codon 527 of the DTHD1 protein (p.Glu527Lys). This variant is not present in population databases (gnomAD no frequency). This variant has not been reported in the literature in individuals affected with DTHD1-related conditions. An algorithm developed to predict the effect of missense changes on protein structure and function (PolyPhen-2) suggests that this variant is likely to be tolerated. Algorithms developed to predict the effect of sequence changes on RNA splicing suggest that this variant may disrupt the consensus splice site. In summary, the available evidence is currently insufficient to determine the role of this variant in disease. Therefore, it has been classified as a Variant of Uncertain Significance.